The following is an entry in ClinVar:

ClinVar aggregate classification (germline): Uncertain significance (1 of 4 stars; one submission).

Submission:

GeneDx
Classification: Uncertain significance. Last evaluated: 2025-05-02. Review status: criteria provided, single submitter. Criteria: GeneDx Variant Classification Process June 2021. Collection method: clinical testing. Allele origin: germline. Affected: yes.
Comment: Not observed at significant frequency in large population cohorts (gnomAD); In silico analysis suggests that this missense variant does not alter protein structure/function; Has not been previously published as pathogenic or benign to our knowledge

NM_015057.5(MYCBP2):c.12127C>A (p.Leu4043Ile)

Gene: MYCBP2 (MYC binding protein 2; minus strand). Cytogenetic location: 13q22.3.
Variant type: single nucleotide variant.
Coding change: c.12127C>A on transcript NM_015057.5 (MANE Select); coding-DNA position 12127, C replaced by A.
Protein change: p.Leu4043Ile; replaces leucine 4043 with isoleucine.
Molecular consequence: missense variant.
Genome position (GRCh38, 1-based): chr13:77,068,609, G>T on the plus strand (C>A on the coding strand, the complement: MYCBP2 is on the minus strand). VCF-style: chr13-77068609-G-T. GRCh37 (hg19) VCF-style: chr13-77642744-G-T.
Other names: short protein forms L4043I.
Identifiers: ClinVar variation 4527980 (VCV004527980.1).